The following is an entry in ClinVar:

NM_000393.5(COL5A2):c.568-11C>A

Gene: COL5A2 (collagen type V alpha 2 chain; minus strand). Cytogenetic location: 2q32.2.
Variant type: single nucleotide variant.
Coding change: c.568-11C>A on transcript NM_000393.5 (MANE Select); 11 bases into the intron before coding-DNA position 568, C replaced by A.
Molecular consequence: intron variant.
Genome position (GRCh38, 1-based): chr2:189,088,783, G>T on the plus strand (C>A on the coding strand, the complement: COL5A2 is on the minus strand). VCF-style: chr2-189088783-G-T. GRCh37 (hg19) VCF-style: chr2-189953509-G-T.
Identifiers: ClinVar variation 3703164 (VCV003703164.3).
Genomic context (GRCh38, chr2:189,088,783, plus strand): 5'-CTCCCAAGTCCAGATTTTTCATCCAACCCAGCCATTTGAGCTGAAAACGGCTGTAAAAGC[G>T]ATATGTTGACATTATTTCTACAGTAAAAGACATACATCAACGTCCTTTTCATATGGATAA-3'

ClinVar aggregate classification (germline): Uncertain significance. Review status: criteria provided, multiple submitters, no conflicts (2 of 4 stars). 2 submissions from 2 submitters: Uncertain significance (2). Last evaluated 2025-08-29.

Conditions:
Ehlers-Danlos syndrome, classic type, 1 (EDSCL1). Also called: EHLERS-DANLOS SYNDROME, GRAVIS TYPE; EHLERS-DANLOS SYNDROME, SEVERE CLASSIC TYPE; Ehlers-Danlos syndrome, type 1; Ehlers-Danlos Syndrome, Classic Type, COL5A1-Related; EDS I. Identifiers: MedGen C0268335, MONDO:0019567, OMIM 130000.

gnomAD v4.1: 4 of 1,610,262 alleles (0.00025%); highest among the groups gnomAD compares: Non-Finnish European, 0.00034%; no homozygotes.

Submissions (2):

GeneDx
Classification: Uncertain significance. Last evaluated: 2025-08-29. Review status: criteria provided, single submitter. Criteria: GeneDx Variant Classification Process June 2021. Collection method: clinical testing. Allele origin: germline. Affected: yes.
Comment: Not observed at significant frequency in large population cohorts (gnomAD); In silico analysis supports a deleterious effect on splicing; Has not been previously published as pathogenic or benign to our knowledge

Labcorp Genetics (formerly Invitae), Labcorp
Classification: Uncertain significance for Ehlers-Danlos syndrome, classic type, 1. Last evaluated: 2024-09-11. Review status: criteria provided, single submitter. Criteria: Invitae Variant Classification Sherloc (09022015). Collection method: clinical testing. Allele origin: germline.
Comment: This sequence change falls in intron 7 of the COL5A2 gene. It does not directly change the encoded amino acid sequence of the COL5A2 protein. This variant is not present in population databases (gnomAD no frequency). This variant has not been reported in the literature in individuals affected with COL5A2-related conditions. Algorithms developed to predict the effect of sequence changes on RNA splicing suggest that this variant may disrupt the consensus splice site. In summary, the available evidence is currently insufficient to determine the role of this variant in disease. Therefore, it has been classified as a Variant of Uncertain Significance.